The following is an entry in ClinVar:

ClinVar aggregate classification (germline): Conflicting classifications of pathogenicity. Review status: criteria provided, conflicting classifications (1 of 4 stars). 3 submissions from 3 submitters: Uncertain significance (2); Likely benign (1). Last evaluated 2025-08-28.

Conditions:
Inborn genetic diseases. Identifiers: MedGen C0950123, MeSH D030342.

Allele frequency attached by ClinVar (database versions not stated): ExAC 0.00013; gnomAD exomes 0.00013 and 0.00008; 1000 Genomes Project 30x 0.00078; 1000 Genomes Project 0.00100; TOPMed 0.00002; gnomAD 0.00006.

Submissions (3):

Ambry Genetics
Classification: Likely benign for Inborn genetic diseases. Last evaluated: 2025-08-28. Review status: criteria provided, single submitter. Criteria: Ambry Variant Classification Scheme 2023. Collection method: clinical testing. Allele origin: germline.

Labcorp Genetics (formerly Invitae), Labcorp
Classification: Uncertain significance. Last evaluated: 2022-06-07. Review status: criteria provided, single submitter. Criteria: Invitae Variant Classification Sherloc (09022015). Collection method: clinical testing. Allele origin: germline.
Comment: This sequence change replaces histidine, which is basic and polar, with tyrosine, which is neutral and polar, at codon 482 of the DONSON protein (p.His482Tyr). This variant is present in population databases (rs544638959, gnomAD 0.1%). This variant has not been reported in the literature in individuals affected with DONSON-related conditions. ClinVar contains an entry for this variant (Variation ID: 1520431). Algorithms developed to predict the effect of missense changes on protein structure and function (SIFT, PolyPhen-2, Align-GVGD) all suggest that this variant is likely to be tolerated. In summary, the available evidence is currently insufficient to determine the role of this variant in disease. Therefore, it has been classified as a Variant of Uncertain Significance.

GeneDx
Classification: Uncertain significance. Last evaluated: 2022-02-16. Review status: criteria provided, single submitter. Criteria: GeneDx Variant Classification Process June 2021. Collection method: clinical testing. Allele origin: germline. Affected: yes.
Comment: In silico analysis supports that this missense variant has a deleterious effect on protein structure/function; Has not been previously published as pathogenic or benign to our knowledge

NM_017613.4(DONSON):c.1444C>T (p.His482Tyr)

Gene: DONSON (DNA replication fork stabilization factor DONSON; minus strand). Cytogenetic location: 21q22.11.
Variant type: single nucleotide variant.
Coding change: c.1444C>T on transcript NM_017613.4 (MANE Select); coding-DNA position 1444, C replaced by T.
Protein change: p.His482Tyr; replaces histidine 482 with tyrosine.
Molecular consequence: missense variant.
Genome position (GRCh38, 1-based): chr21:33,579,469, G>A on the plus strand (C>T on the coding strand, the complement: DONSON is on the minus strand). VCF-style: chr21-33579469-G-A. GRCh37 (hg19) VCF-style: chr21-34951775-G-A.
Other names: c.1444C>T (NM_017613.2); short protein forms H482Y.
Identifiers: ClinVar variation 1520431 (VCV001520431.6), dbSNP rs544638959, ClinGen allele CA10010313.
Genomic context (GRCh38, chr21:33,579,469, plus strand): 5'-GATACAGTACTGCAGAGAAAGATCCACTCTGTGAAGATTTGAGCAGCATGGTCAGTGAAT[G>A]CAGAGAATGAGGCATGATAGGACCTGTAATCTCCAAACTAAATTGGTCTCTGTATCCAGA-3'
Protein context (NP_060083.1, residues 472-492): ITGPIMPHSL[His482Tyr]SLTMLLKSSQ